The following is an entry in ClinVar:

NM_000391.4(TPP1):c.272C>T (p.Pro91Leu)

Gene: TPP1 (tripeptidyl peptidase 1; minus strand). Cytogenetic location: 11p15.4.
Variant type: single nucleotide variant.
Coding change: c.272C>T on transcript NM_000391.4 (MANE Select); coding-DNA position 272, C replaced by T.
Protein change: p.Pro91Leu; replaces proline 91 with leucine.
Molecular consequence: missense variant.
Genome position (GRCh38, 1-based): chr11:6,617,734, G>A on the plus strand (C>T on the coding strand, the complement: TPP1 is on the minus strand). VCF-style: chr11-6617734-G-A. GRCh37 (hg19) VCF-style: chr11-6638965-G-A.
Other names: short protein forms P91L.
Identifiers: ClinVar variation 1009213 (VCV001009213.8), dbSNP rs1855608483, ClinGen allele CA379476527.
Genomic context (GRCh38, chr11:6,617,734, plus strand): 5'-CACTTCTGGGCTCCGGCTGCCAAGAGCCATTTTTGCACCGTGTGGAGGGTCAGTGGGGAT[G>A]GCCTCACCAGATCAGCCACATTCTCTAGGGTCAGGTATTTTCCTGCAGGGATTCAGAAGA-3'
Protein context (NP_000382.3, residues 81-101): TLENVADLVR[Pro91Leu]SPLTLHTVQK

ClinVar aggregate classification (germline): Uncertain significance (1 of 4 stars; one submission).

Submission:

Labcorp Genetics (formerly Invitae), Labcorp
Classification: Uncertain significance. Last evaluated: 2020-09-24. Review status: criteria provided, single submitter. Criteria: Invitae Variant Classification Sherloc (09022015). Collection method: clinical testing. Allele origin: germline.
Comment: In summary, the available evidence is currently insufficient to determine the role of this variant in disease. Therefore, it has been classified as a Variant of Uncertain Significance. Advanced modeling of protein sequence and biophysical properties (such as structural, functional, and spatial information, amino acid conservation, physicochemical variation, residue mobility, and thermodynamic stability) performed at Invitae indicates that this missense variant is expected to disrupt TPP1 protein function. This variant has not been reported in the literature in individuals with TPP1-related conditions. This variant is not present in population databases (ExAC no frequency). This sequence change replaces proline with leucine at codon 91 of the TPP1 protein (p.Pro91Leu). The proline residue is highly conserved and there is a moderate physicochemical difference between proline and leucine.